The following is an entry in ClinVar:

NM_005138.3(SCO2):c.234G>A (p.Leu78=)

Genes: SCO2 (synthesis of cytochrome C oxidase 2; minus strand), NCAPH2 (non-SMC condensin II complex subunit H2; plus strand). Cytogenetic location: 22q13.33.
Variant type: single nucleotide variant.
Coding change: c.234G>A on transcript NM_005138.3 (MANE Select); coding-DNA position 234, G replaced by A.
Protein change: p.Leu78=; no amino-acid change (leucine 78 retained).
Molecular consequence: synonymous variant. On other transcripts: 3 prime UTR variant (2).
Genome position (GRCh38, 1-based): chr22:50,524,178, C>T on the plus strand (G>A on the coding strand, the complement: SCO2 is on the minus strand). VCF-style: chr22-50524178-C-T. GRCh37 (hg19) VCF-style: chr22-50962607-C-T.
Other names: c.*803C>T (NM_001185011.2, NM_152299.4); c.234G>A, p.Leu78= (NM_001169109.2, NM_001169110.1, NM_001169111.2).
Identifiers: ClinVar variation 1985979 (VCV001985979.8), dbSNP rs2069220540, ClinGen allele CA515387473.
Genomic context (GRCh38, chr22:50,524,178, plus strand): 5'-AGCTGCCTGGCGCAGGGCTTCTGTTCGCTTTTGCTGCTGCAGCCTCTCCTTCTCAGCCCT[C>T]AGGGCCAGCCAGGCCCCACCGAGTCCAGCCCCGAACAGGCCTGTGATCAGCAGCCGGGTT-3'
Protein context (NP_005129.2, residues 68-88): GAGLGGAWLA[Leu78=]RAEKERLQQQ

ClinVar aggregate classification (germline): Likely benign. Review status: criteria provided, multiple submitters, no conflicts (2 of 4 stars). 2 submissions from 2 submitters: Likely benign (2). Last evaluated 2026-03-01.

gnomAD v4.1: 3 of 1,609,444 alleles (0.00019%); highest among the groups gnomAD compares: Non-Finnish European, 0.00025%; no homozygotes.

Submissions (2):

CeGaT Center for Human Genetics Tuebingen
Classification: Likely benign. Last evaluated: 2026-03-01. Review status: criteria provided, single submitter. Criteria: CeGaT Center For Human Genetics Tuebingen Variant Classification Criteria Version 2. Collection method: clinical testing. Allele origin: germline. Affected: yes. Observed: 1 variant allele.
Comment: SCO2: BP4, BP7

Labcorp Genetics (formerly Invitae), Labcorp
Classification: Likely benign. Last evaluated: 2024-09-08. Review status: criteria provided, single submitter. Criteria: Invitae Variant Classification Sherloc (09022015). Collection method: clinical testing. Allele origin: germline.